The following is an entry in ClinVar:

ClinVar aggregate classification (germline): Uncertain significance. Review status: criteria provided, multiple submitters, no conflicts (2 of 4 stars). 2 submissions from 2 submitters: Uncertain significance (2). Last evaluated 2025-03-18.

Conditions:
Familial thoracic aortic aneurysm and aortic dissection (TAAD). Also called: Thoracic aortic aneurysms and dissections. Identifiers: Orphanet 91387, MedGen C4707243, MONDO:0019625.
Marfan syndrome (MFS). Also called: Marfan syndrome, classic; Marfan syndrome type 1; Marfan's syndrome; FBN1-Related Marfan Syndrome; MARFAN SYNDROME, TYPE I. Identifiers: Orphanet 284963, Orphanet 558, MedGen C0024796, MONDO:0007947, OMIM 154700.

Allele frequency attached by ClinVar (database versions not stated): gnomAD exomes below 0.00001.
gnomAD v4.1: 2 of 1,613,930 alleles (0.00012%); highest among the groups gnomAD compares: Non-Finnish European, 0.00017%; no homozygotes.

Submissions (2):

Labcorp Genetics (formerly Invitae), Labcorp
Classification: Uncertain significance for Marfan syndrome; Familial thoracic aortic aneurysm and aortic dissection. Last evaluated: 2025-03-18. Review status: criteria provided, single submitter. Criteria: Invitae Variant Classification Sherloc (09022015). Collection method: clinical testing. Allele origin: germline.
Comment: This sequence change replaces proline, which is neutral and non-polar, with histidine, which is basic and polar, at codon 410 of the FBN1 protein (p.Pro410His). This variant is not present in population databases (gnomAD no frequency). This variant has not been reported in the literature in individuals affected with FBN1-related conditions. ClinVar contains an entry for this variant (Variation ID: 919555). Invitae Evidence Modeling of protein sequence and biophysical properties (such as structural, functional, and spatial information, amino acid conservation, physicochemical variation, residue mobility, and thermodynamic stability) indicates that this missense variant is not expected to disrupt FBN1 protein function with a negative predictive value of 95%. In summary, the available evidence is currently insufficient to determine the role of this variant in disease. Therefore, it has been classified as a Variant of Uncertain Significance.

Color Diagnostics, LLC DBA Color Health
Classification: Uncertain significance for Familial thoracic aortic aneurysm and aortic dissection. Last evaluated: 2024-03-06. Review status: criteria provided, single submitter. Criteria: ACMG Guidelines, 2015. Collection method: clinical testing. Allele origin: germline.
Comment: This missense variant replaces proline with histidine at codon 410 of the FBN1 protein. Computational prediction suggests that this variant may not impact protein structure and function (internally defined REVEL score threshold <= 0.5, PMID: 27666373). Splice site prediction tools suggest that this variant may not impact RNA splicing. To our knowledge, functional studies have not been performed for this variant. This variant has not been reported in individuals affected with cardiovascular disorders in the literature. This variant has not been identified in the general population by the Genome Aggregation Database (gnomAD). The available evidence is insufficient to determine the role of this variant in disease conclusively. Therefore, this variant is classified as a Variant of Uncertain Significance.

NM_000138.5(FBN1):c.1229C>A (p.Pro410His)

Gene: FBN1 (fibrillin 1; minus strand). Cytogenetic location: 15q21.1.
Variant type: single nucleotide variant.
Coding change: c.1229C>A on transcript NM_000138.5 (MANE Select); coding-DNA position 1229, C replaced by A.
Protein change: p.Pro410His; replaces proline 410 with histidine.
Molecular consequence: missense variant.
Genome position (GRCh38, 1-based): chr15:48,516,281, G>T on the plus strand (C>A on the coding strand, the complement: FBN1 is on the minus strand). VCF-style: chr15-48516281-G-T. GRCh37 (hg19) VCF-style: chr15-48808478-G-T.
Other names: short protein forms P410H.
Identifiers: ClinVar variation 919555 (VCV000919555.5), dbSNP rs2043800530, ClinGen allele CA392345576.
Genomic context (GRCh38, chr15:48,516,281, plus strand): 5'-GGTCGAGGGACCGGAATTTGAGGTCCAGGAGGAAAGCCAGGAGGAACAGGGAGAACTGGA[G>T]GAATGGGGCCAAGGGGTGGGGGAGGATATTCTGGTCTCCCAGGAATTACCATAGGAACAG-3'
Protein context (NP_000129.3, residues 400-420): EYPPPPLGPI[Pro410His]PVLPVPPGFP